The following is an entry in ClinVar:

ClinVar aggregate classification (germline): Uncertain significance (1 of 4 stars; one submission).

Allele frequency attached by ClinVar (database versions not stated): TOPMed below 0.00001; gnomAD 0.00001; gnomAD exomes 0.00001; ESP Exome Variant Server 0.00008.
gnomAD v4.1: 9 of 1,586,722 alleles (0.00057%); highest among the groups gnomAD compares: Non-Finnish European, 0.00017%; no homozygotes.

Submission:

Labcorp Genetics (formerly Invitae), Labcorp
Classification: Uncertain significance. Last evaluated: 2023-10-04. Review status: criteria provided, single submitter. Criteria: Invitae Variant Classification Sherloc (09022015). Collection method: clinical testing. Allele origin: germline.
Comment: This sequence change replaces lysine, which is basic and polar, with glutamine, which is neutral and polar, at codon 819 of the MCM4 protein (p.Lys819Gln). This variant is present in population databases (rs369753292, gnomAD 0.01%). This variant has not been reported in the literature in individuals affected with MCM4-related conditions. Advanced modeling of protein sequence and biophysical properties (such as structural, functional, and spatial information, amino acid conservation, physicochemical variation, residue mobility, and thermodynamic stability) performed at Invitae indicates that this missense variant is not expected to disrupt MCM4 protein function. In summary, the available evidence is currently insufficient to determine the role of this variant in disease. Therefore, it has been classified as a Variant of Uncertain Significance.

NM_182746.3(MCM4):c.2455A>C (p.Lys819Gln)

Gene: MCM4 (minichromosome maintenance complex component 4; plus strand). Cytogenetic location: 8q11.21.
Variant type: single nucleotide variant.
Coding change: c.2455A>C on transcript NM_182746.3 (MANE Select); coding-DNA position 2455, A replaced by C.
Protein change: p.Lys819Gln; replaces lysine 819 with glutamine.
Molecular consequence: missense variant.
Genome position (GRCh38, 1-based): chr8:47,975,804, A>C. VCF-style: chr8-47975804-A-C. GRCh37 (hg19) VCF-style: chr8-48888364-A-C.
Other names: c.2455A>C, p.Lys819Gln (NM_005914.4); short protein forms K819Q.
Identifiers: ClinVar variation 2781107 (VCV002781107.3), dbSNP rs369753292, ClinGen allele CA176158995.